The following is an entry in ClinVar:

NM_012318.3(LETM1):c.1260C>A (p.Ala420=)

Gene: LETM1 (leucine zipper and EF-hand containing transmembrane protein 1; minus strand). Cytogenetic location: 4p16.3.
Variant type: single nucleotide variant.
Coding change: c.1260C>A on transcript NM_012318.3 (MANE Select); coding-DNA position 1260, C replaced by A.
Protein change: p.Ala420=; no amino-acid change (alanine 420 retained).
Molecular consequence: synonymous variant.
Genome position (GRCh38, 1-based): chr4:1,823,716, G>T on the plus strand (C>A on the coding strand, the complement: LETM1 is on the minus strand). VCF-style: chr4-1823716-G-T. GRCh37 (hg19) VCF-style: chr4-1825443-G-T.
Identifiers: ClinVar variation 4875204 (VCV004875204.2).

ClinVar aggregate classification (germline): Likely benign (1 of 4 stars; one submission).

Submission:

CeGaT Center for Human Genetics Tuebingen
Classification: Likely benign. Last evaluated: 2026-06-01. Review status: criteria provided, single submitter. Criteria: CeGaT Center For Human Genetics Tuebingen Variant Classification Criteria Version 2. Collection method: clinical testing. Allele origin: germline. Affected: yes. Observed: 1 variant allele.
Comment: LETM1: PM2:Supporting, BP4, BP7